The following is an entry in ClinVar:

ClinVar aggregate classification (germline): Uncertain significance (1 of 4 stars; one submission).

Conditions:
Jeune thoracic dystrophy. Also called: Short-rib thoracic dysplasia; Jeune syndrome; Infantile thoracic dystrophy; Thoracic pelvic phalangeal dystrophy; Jeune's syndrome; Chondroectodermal dysplasia-like syndrome. Identifiers: Orphanet 474, MedGen C0265275, MONDO:0018770.

Submission:

Labcorp Genetics (formerly Invitae), Labcorp
Classification: Uncertain significance for Jeune thoracic dystrophy. Last evaluated: 2023-12-11. Review status: criteria provided, single submitter. Criteria: Invitae Variant Classification Sherloc (09022015). Collection method: clinical testing. Allele origin: germline.
Comment: This sequence change replaces valine, which is neutral and non-polar, with leucine, which is neutral and non-polar, at codon 246 of the IFT80 protein (p.Val246Leu). This variant is not present in population databases (gnomAD no frequency). This variant has not been reported in the literature in individuals affected with IFT80-related conditions. ClinVar contains an entry for this variant (Variation ID: 2428183). Advanced modeling of protein sequence and biophysical properties (such as structural, functional, and spatial information, amino acid conservation, physicochemical variation, residue mobility, and thermodynamic stability) has been performed at Invitae for this missense variant, however the output from this modeling did not meet the statistical confidence thresholds required to predict the impact of this variant on IFT80 protein function. In summary, the available evidence is currently insufficient to determine the role of this variant in disease. Therefore, it has been classified as a Variant of Uncertain Significance.

NM_020800.3(IFT80):c.736G>C (p.Val246Leu)

Genes: IFT80 (intraflagellar transport 80; minus strand), TRIM59-IFT80 (TRIM59-IFT80 readthrough (NMD candidate); minus strand). Cytogenetic location: 3q25.33.
Variant type: single nucleotide variant.
Coding change: c.736G>C on transcript NM_020800.3 (MANE Select); coding-DNA position 736, G replaced by C.
Protein change: p.Val246Leu; replaces valine 246 with leucine.
Molecular consequence: missense variant. On other transcripts: non-coding transcript variant (3).
Genome position (GRCh38, 1-based): chr3:160,356,054, C>G on the plus strand (G>C on the coding strand, the complement: IFT80 is on the minus strand). VCF-style: chr3-160356054-C-G. GRCh37 (hg19) VCF-style: chr3-160073842-C-G.
Other names: c.325G>C, p.Val109Leu (NM_001190241.2, NM_001190242.2); short protein forms V109L, V246L.
Identifiers: ClinVar variation 2428183 (VCV002428183.5), dbSNP rs1721064805, ClinGen allele CA355192758.
Genomic context (GRCh38, chr3:160,356,054, plus strand): 5'-GCTCACCACTATAACTTACCCCAGTTTTATCACACAAGCGTAAAGTATGAAACGATCCAA[C>G]AGCAAATAATTCTCCATCTGGAGCCCAGGCAACTGAAGTAATGGGATGCTCATGAGGTTG-3'
Protein context (NP_065851.1, residues 236-256): AWAPDGELFA[Val246Leu]GSFHTLRLCD